The following is an entry in ClinVar:

ClinVar aggregate classification (germline): Uncertain significance. Review status: criteria provided, multiple submitters, no conflicts (2 of 4 stars). 6 submissions from 6 submitters: Uncertain significance (6). Last evaluated 2026-01-24.

Conditions:
Marfan syndrome (MFS). Also called: MARFAN SYNDROME, TYPE I; FBN1-Related Marfan Syndrome; Marfan syndrome, classic; Marfan syndrome type 1; Marfan's syndrome. Identifiers: Orphanet 284963, Orphanet 558, MedGen C0024796, MONDO:0007947, OMIM 154700.
Familial thoracic aortic aneurysm and aortic dissection (TAAD). Also called: Thoracic aortic aneurysms and dissections. Identifiers: Orphanet 91387, MedGen C4707243, MONDO:0019625.
Weill-Marchesani syndrome 2, dominant. Also called: FBN1-Related Weill-Marchesani Syndrome; Weill-Marchesani Syndrome, Autosomal Dominant. Identifiers: Orphanet 2084, MedGen C1869115, MONDO:0012013, OMIM 608328.

Submissions (6):

Labcorp Genetics (formerly Invitae), Labcorp
Classification: Uncertain significance for Marfan syndrome; Familial thoracic aortic aneurysm and aortic dissection. Last evaluated: 2026-01-24. Review status: criteria provided, single submitter. Criteria: Invitae Variant Classification Sherloc (09022015). Collection method: clinical testing. Allele origin: germline.
Comment: This sequence change replaces glycine, which is neutral and non-polar, with valine, which is neutral and non-polar, at codon 2703 of the FBN1 protein (p.Gly2703Val). This variant is not present in population databases (gnomAD no frequency). This variant has not been reported in the literature in individuals affected with FBN1-related conditions. ClinVar contains an entry for this variant (Variation ID: 200128). Invitae Evidence Modeling of protein sequence and biophysical properties (such as structural, functional, and spatial information, amino acid conservation, physicochemical variation, residue mobility, and thermodynamic stability) indicates that this missense variant is not expected to disrupt FBN1 protein function with a negative predictive value of 95%. In summary, the available evidence is currently insufficient to determine the role of this variant in disease. Therefore, it has been classified as a Variant of Uncertain Significance.

Color Diagnostics, LLC DBA Color Health
Classification: Uncertain significance for Familial thoracic aortic aneurysm and aortic dissection. Last evaluated: 2025-07-25. Review status: criteria provided, single submitter. Criteria: ACMG Guidelines, 2015. Collection method: clinical testing. Allele origin: germline.
Comment: This missense variant replaces glycine with valine at codon 2703 of the FBN1 protein. Computational prediction suggests that this variant may not impact protein structure and function. To our knowledge, functional studies have not been reported for this variant. This variant has not been reported in individuals affected with FBN1-related disorders in the literature. This variant has not been identified in the general population by the Genome Aggregation Database (gnomAD). The available evidence is insufficient to determine the role of this variant in disease conclusively. Therefore, this variant is classified as a Variant of Uncertain Significance.

Pittsburgh Clinical Genomics Laboratory, University of Pittsburgh Medical Center
Classification: Uncertain significance for Weill-Marchesani syndrome 2, dominant. Last evaluated: 2023-11-10. Review status: criteria provided, single submitter. Criteria: ACMG Guidelines, 2015. Collection method: clinical testing. Allele origin: germline. Inheritance: Autosomal dominant inheritance. Affected: yes.
Comment: This sequence variant is a single nucleotide substitution (G>T) at position 8108 of the coding sequence of the FBN1 gene that results in a glycine to valine amino acid change at residue 2703 of the fibrillin 1 protein. This is a previously reported variant (ClinVar 200128) that has not been observed in an individual affected by a FBN1-related disorder in the published literature, to our knowledge. This variant is absent from the gnomAD v4 population database (0/~1,614,000 alleles). Multiple bioinformatic tools predict that this Gly to Val amino acid change would be neutral, and the Gly2703 residue at this position is poorly conserved across the vertebrate species examined. Studies examining the functional consequence of this variant have not been published, to our knowledge. At this time, there is insufficient evidence to determine if this variant is pathogenic or benign. Therefore, we consider this a variant of uncertain significance. ACMG Criteria: BP4, PM2, PP2

GeneDx
Classification: Uncertain significance. Last evaluated: 2023-09-05. Review status: criteria provided, single submitter. Criteria: GeneDx Variant Classification Process June 2021. Collection method: clinical testing. Allele origin: germline. Affected: yes.
Comment: Not observed at significant frequency in large population cohorts (gnomAD); In silico analysis supports that this missense variant does not alter protein structure/function; Has not been previously published as pathogenic or benign to our knowledge

All of Us Research Program, National Institutes of Health
Classification: Uncertain significance for Marfan syndrome. Last evaluated: 2023-06-26. Review status: criteria provided, single submitter. Criteria: ACMG Guidelines, 2015. Collection method: clinical testing. Allele origin: germline. Inheritance: Autosomal dominant inheritance. Observed: 1 variant allele, 1 heterozygote.
Comment: This missense variant replaces glycine with valine at codon 2703 of the FBN1 protein. Computational prediction suggests that this variant may not impact protein structure and function (internally defined REVEL score threshold <= 0.5, PMID: 27666373). Splice site prediction tools suggest that this variant may not impact RNA splicing. To our knowledge, functional studies have not been performed for this variant. This variant has not been reported in individuals affected with cardiovascular disorders in the literature. This variant has not been identified in the general population by the Genome Aggregation Database (gnomAD). The available evidence is insufficient to determine the role of this variant in disease conclusively. Therefore, this variant is classified as a Variant of Uncertain Significance.

This study involves interpretation of variants in research participants for the purpose of population health screening. Participant phenotype was not available at the time of variant classification. Additional details can be found in publication PMID: 35346344, PMCID: PMC8962531

Ambry Genetics
Classification: Uncertain significance for Familial thoracic aortic aneurysm and aortic dissection. Last evaluated: 2022-01-26. Review status: criteria provided, single submitter. Criteria: Ambry Variant Classification Scheme 2023. Collection method: clinical testing. Allele origin: germline.
Comment: The p.G2703V variant (also known as c.8108G>T), located in coding exon 64 of the FBN1 gene, results from a G to T substitution at nucleotide position 8108. The glycine at codon 2703 is replaced by valine, an amino acid with dissimilar properties. This amino acid position is not well conserved in available vertebrate species. In addition, the in silico prediction for this alteration is inconclusive. Since supporting evidence is limited at this time, the clinical significance of this alteration remains unclear.

Literature cited by the submitters: PubMed 31227806 (cited by Ambry Genetics).

NM_000138.5(FBN1):c.8108G>T (p.Gly2703Val)

Gene: FBN1 (fibrillin 1; minus strand). Cytogenetic location: 15q21.1.
Variant type: single nucleotide variant.
Coding change: c.8108G>T on transcript NM_000138.5 (MANE Select); coding-DNA position 8108, G replaced by T.
Protein change: p.Gly2703Val; replaces glycine 2703 with valine.
Molecular consequence: missense variant.
Genome position (GRCh38, 1-based): chr15:48,412,687, C>A on the plus strand (G>T on the coding strand, the complement: FBN1 is on the minus strand). VCF-style: chr15-48412687-C-A. GRCh37 (hg19) VCF-style: chr15-48704884-C-A.
Other names: p.G2703V:GGT>GTT; short protein forms G2703V.
Identifiers: ClinVar variation 200128 (VCV000200128.17), dbSNP rs794728284, ClinGen allele CA017558.